The following is an entry in ClinVar:

ClinVar aggregate classification (germline): Benign/Likely benign. Review status: criteria provided, multiple submitters, no conflicts (2 of 4 stars). 4 submissions from 4 submitters: Benign (1); Likely benign (3). Last evaluated 2025-10-21.

Conditions:
Inborn genetic diseases. Identifiers: MedGen C0950123, MeSH D030342.
RAI1-related disorder. Also called: RAI1-related condition.

Allele frequency attached by ClinVar (database versions not stated): ESP Exome Variant Server 0.00008.
gnomAD v4.1: 87 of 1,612,976 alleles (0.0054%); highest among the groups gnomAD compares: Middle Eastern, 0.016%; 1 homozygote.

Submissions (4):

PreventionGenetics, part of Exact Sciences
Classification: Likely benign for RAI1-related condition. Last evaluated: 2025-10-21. Review status: criteria provided, single submitter. Criteria: ACMG Guidelines, 2015. Collection method: clinical testing. Allele origin: germline.
Comment: This variant is classified as likely benign based on ACMG/AMP sequence variant interpretation guidelines (Richards et al. 2015 PMID: 25741868, with internal and published modifications).

Labcorp Genetics (formerly Invitae), Labcorp
Classification: Benign. Last evaluated: 2025-09-10. Review status: criteria provided, single submitter. Criteria: Invitae Variant Classification Sherloc (09022015). Collection method: clinical testing. Allele origin: germline.

Blueprint Genetics
Classification: Likely benign. Last evaluated: 2024-10-02. Review status: criteria provided, single submitter. Criteria: ACMG Guidelines, 2015. Collection method: clinical testing. Allele origin: germline.

Ambry Genetics
Classification: Likely benign for Inborn genetic diseases. Last evaluated: 2022-08-26. Review status: criteria provided, single submitter. Criteria: Ambry Variant Classification Scheme 2023. Collection method: clinical testing. Allele origin: germline.

NM_030665.4(RAI1):c.3920G>A (p.Arg1307Gln)

Gene: RAI1 (retinoic acid induced 1; plus strand). Cytogenetic location: 17p11.2.
Variant type: single nucleotide variant.
Coding change: c.3920G>A on transcript NM_030665.4 (MANE Select); coding-DNA position 3920, G replaced by A.
Protein change: p.Arg1307Gln; replaces arginine 1307 with glutamine.
Molecular consequence: missense variant.
Genome position (GRCh38, 1-based): chr17:17,796,868, G>A. VCF-style: chr17-17796868-G-A. GRCh37 (hg19) VCF-style: chr17-17700182-G-A.
Other names: c.3920G>A (NM_030665.3); short protein forms R1307Q.
Identifiers: ClinVar variation 1411155 (VCV001411155.13), dbSNP rs369260099, ClinGen allele CA8418865.